The following is an entry in ClinVar:

ClinVar aggregate classification (germline): Uncertain significance (1 of 4 stars; one submission).

Conditions:
GIGYF1-related disorder. Also called: GIGYF1-related condition.

Allele frequency attached by ClinVar (database versions not stated): gnomAD 0.00001.
gnomAD v4.1: 1 of 1,613,748 alleles (0.000062%); highest among the groups gnomAD compares: East Asian, 0.0022%; no homozygotes.

Submission:

PreventionGenetics, part of Exact Sciences
Classification: Uncertain significance for GIGYF1-related condition. Last evaluated: 2023-07-21. Review status: criteria provided, single submitter. Criteria: ACMG Guidelines, 2015. Collection method: clinical testing. Allele origin: germline.
Comment: The GIGYF1 c.503A>C variant is predicted to result in the amino acid substitution p.Lys168Thr. To our knowledge, this variant has not been reported in the literature. This variant is reported in 0.064% of alleles in individuals of East Asian descent in gnomAD. At this time, the clinical significance of this variant is uncertain due to the absence of conclusive functional and genetic evidence.

NM_001375765.1(GIGYF1):c.503A>C (p.Lys168Thr)

Gene: GIGYF1 (GRB10 interacting GYF protein 1; minus strand). Cytogenetic location: 7q22.1.
Variant type: single nucleotide variant.
Coding change: c.503A>C on transcript NM_001375765.1 (MANE Select); coding-DNA position 503, A replaced by C.
Protein change: p.Lys168Thr; replaces lysine 168 with threonine.
Molecular consequence: missense variant. On other transcripts: non-coding transcript variant (1).
Genome position (GRCh38, 1-based): chr7:100,687,026, T>G on the plus strand (A>C on the coding strand, the complement: GIGYF1 is on the minus strand). VCF-style: chr7-100687026-T-G. GRCh37 (hg19) VCF-style: chr7-100284649-T-G.
Other names: NM_022574.4:c.503A>C; c.503A>C, p.Lys168Thr (NM_001375759.1, NM_001375760.1, NM_001375761.1 and 6 more transcripts); short protein forms K168T.
Identifiers: ClinVar variation 2631221 (VCV002631221.1), dbSNP rs1178526251, ClinGen allele CA368546775.